The following is an entry in ClinVar:

NM_000368.5(TSC1):c.2249G>T (p.Trp750Leu)

Gene: TSC1 (TSC complex subunit 1; minus strand). Cytogenetic location: 9q34.13.
Variant type: single nucleotide variant.
Coding change: c.2249G>T on transcript NM_000368.5 (MANE Select); coding-DNA position 2249, G replaced by T.
Protein change: p.Trp750Leu; replaces tryptophan 750 with leucine.
Molecular consequence: missense variant. On other transcripts: non-coding transcript variant (5).
Genome position (GRCh38, 1-based): chr9:132,902,747, C>A on the plus strand (G>T on the coding strand, the complement: TSC1 is on the minus strand). VCF-style: chr9-132902747-C-A. GRCh37 (hg19) VCF-style: chr9-135778134-C-A.
Other names: c.2093G>T, p.Trp698Leu (NM_001406613.1, NM_001406611.1, NM_001406612.1); c.1886G>T, p.Trp629Leu (NM_001406614.1, NM_001406615.1, NM_001362177.2 and 5 more transcripts); c.1298G>T, p.Trp433Leu (NM_001406626.1); c.1295G>T, p.Trp432Leu (NM_001406627.1, NM_001406628.1); c.1196G>T, p.Trp399Leu (NM_001406629.1, NM_001406630.1); c.2246G>T, p.Trp749Leu (NM_001162426.2, NM_001406608.1, NM_001406609.1 and 4 more transcripts); c.2096G>T, p.Trp699Leu (NM_001162427.2, NM_001406610.1); c.2249G>T, p.Trp750Leu (NM_001406592.1, NM_001406593.1, NM_001406594.1 and 5 more transcripts); and 3 more; short protein forms W399L, W744L, W745L, W750L, W628L, W698L, W629L, W699L.
Identifiers: ClinVar variation 3329406 (VCV003329406.1).

ClinVar aggregate classification (germline): Uncertain significance (1 of 4 stars; one submission).

Conditions:
Hereditary cancer-predisposing syndrome. Also called: Neoplastic Syndromes, Hereditary; Tumor predisposition; Hereditary neoplastic syndrome; Hereditary Cancer Syndrome. Identifiers: Orphanet 140162, MedGen C0027672, MeSH D009386, MONDO:0015356.

Submission:

Ambry Genetics
Classification: Uncertain significance for Hereditary cancer-predisposing syndrome. Last evaluated: 2024-03-31. Review status: criteria provided, single submitter. Criteria: Ambry Variant Classification Scheme 2023. Collection method: clinical testing. Allele origin: germline.
Comment: The p.W750L variant (also known as c.2249G>T), located in coding exon 16 of the TSC1 gene, results from a G to T substitution at nucleotide position 2249. The tryptophan at codon 750 is replaced by leucine, an amino acid with similar properties. This amino acid position is conserved. In addition, this alteration is predicted to be tolerated by in silico analysis. Based on the available evidence, the clinical significance of this alteration remains unclear.